The following is an entry in ClinVar:

NM_000548.5(TSC2):c.3437C>T (p.Ala1146Val)

Gene: TSC2 (TSC complex subunit 2; plus strand). Cytogenetic location: 16p13.3.
Variant type: single nucleotide variant.
Coding change: c.3437C>T on transcript NM_000548.5 (MANE Select); coding-DNA position 3437, C replaced by T.
Protein change: p.Ala1146Val; replaces alanine 1146 with valine.
Molecular consequence: missense variant.
Genome position (GRCh38, 1-based): chr16:2,080,204, C>T. VCF-style: chr16-2080204-C-T. GRCh37 (hg19) VCF-style: chr16-2130205-C-T.
Other names: c.3305C>T, p.Ala1102Val (NM_001077183.3, NM_001370404.1); c.3437C>T, p.Ala1146Val (NM_001114382.3); c.3197C>T, p.Ala1066Val (NM_001318827.2); c.3161C>T, p.Ala1054Val (NM_001318829.2); c.2705C>T, p.Ala902Val (NM_001318831.2); c.3338C>T, p.Ala1113Val (NM_001318832.2); c.3308C>T, p.Ala1103Val (NM_001363528.2, NM_001370405.1, NM_021055.3); short protein forms A1066V, A1103V, A1146V, A1113V, A1054V, A1102V, A902V.
Identifiers: ClinVar variation 1429990 (VCV001429990.9), dbSNP rs2089957253, ClinGen allele CA394288656.

ClinVar aggregate classification (germline): Uncertain significance. Review status: criteria provided, multiple submitters, no conflicts (2 of 4 stars). 2 submissions from 2 submitters: Uncertain significance (2). Last evaluated 2024-02-08.

Conditions:
Tuberous sclerosis 2 (TSC2). Identifiers: Orphanet 805, MedGen C1860707, MONDO:0013199, OMIM 613254.
Isolated focal cortical dysplasia type II (FCORD2). Also called: Focal cortical dysplasia type II; CORTICAL DYSPLASIA OF TAYLOR. Identifiers: Orphanet 268994, MedGen C1846385, MONDO:0011818, OMIM 607341, HP:0032051.

Allele frequency attached by ClinVar (database versions not stated): TOPMed below 0.00001.

Submissions (2):

Baylor Genetics
Classification: Uncertain significance for Isolated focal cortical dysplasia type II. Last evaluated: 2024-02-08. Review status: criteria provided, single submitter. Criteria: ACMG Guidelines, 2015. Collection method: clinical testing. Allele origin: unknown.

Labcorp Genetics (formerly Invitae), Labcorp
Classification: Uncertain significance for Tuberous sclerosis 2. Last evaluated: 2022-02-03. Review status: criteria provided, single submitter. Criteria: Invitae Variant Classification Sherloc (09022015). Collection method: clinical testing. Allele origin: germline.
Comment: This sequence change replaces alanine, which is neutral and non-polar, with valine, which is neutral and non-polar, at codon 1146 of the TSC2 protein (p.Ala1146Val). This variant is not present in population databases (gnomAD no frequency). This variant has not been reported in the literature in individuals affected with TSC2-related conditions. Advanced modeling of protein sequence and biophysical properties (such as structural, functional, and spatial information, amino acid conservation, physicochemical variation, residue mobility, and thermodynamic stability) performed at Invitae indicates that this missense variant is not expected to disrupt TSC2 protein function. In summary, the available evidence is currently insufficient to determine the role of this variant in disease. Therefore, it has been classified as a Variant of Uncertain Significance.